The following is an entry in ClinVar:

ClinVar aggregate classification (germline): Uncertain significance (1 of 4 stars; one submission).

Conditions:
Autosomal dominant nonsyndromic hearing loss 1. Also called: KONIGSMARK SYNDROME; DEAFNESS, AUTOSOMAL DOMINANT 1, WITH OR WITHOUT THROMBOCYTOPENIA. Identifiers: Orphanet 90635, MedGen C1852282, MONDO:0007424, OMIM 124900.
Progressive microcephaly-seizures-cortical blindness-developmental delay syndrome. Also called: Seizures, cortical blindness, and microcephaly syndrome. Identifiers: Orphanet 477814, MedGen C5567650, MONDO:0014714, OMIM 616632.

Submission:

Labcorp Genetics (formerly Invitae), Labcorp
Classification: Uncertain significance for Progressive microcephaly-seizures-cortical blindness-developmental delay syndrome; Autosomal dominant nonsyndromic hearing loss 1. Last evaluated: 2024-12-22. Review status: criteria provided, single submitter. Criteria: Invitae Variant Classification Sherloc (09022015). Collection method: clinical testing. Allele origin: germline.
Comment: This sequence change replaces isoleucine, which is neutral and non-polar, with serine, which is neutral and polar, at codon 1001 of the DIAPH1 protein (p.Ile1001Ser). This variant is not present in population databases (gnomAD no frequency). This variant has not been reported in the literature in individuals affected with DIAPH1-related conditions. An algorithm developed to predict the effect of missense changes on protein structure and function (PolyPhen-2) suggests that this variant is likely to be disruptive. In summary, the available evidence is currently insufficient to determine the role of this variant in disease. Therefore, it has been classified as a Variant of Uncertain Significance.

NM_005219.5(DIAPH1):c.3002T>G (p.Ile1001Ser)

Gene: DIAPH1 (diaphanous related formin 1; minus strand). Cytogenetic location: 5q31.3.
Variant type: single nucleotide variant.
Coding change: c.3002T>G on transcript NM_005219.5 (MANE Select); coding-DNA position 3002, T replaced by G.
Protein change: p.Ile1001Ser; replaces isoleucine 1001 with serine.
Molecular consequence: missense variant.
Genome position (GRCh38, 1-based): chr5:141,528,718, A>C on the plus strand (T>G on the coding strand, the complement: DIAPH1 is on the minus strand). VCF-style: chr5-141528718-A-C. GRCh37 (hg19) VCF-style: chr5-140908285-A-C.
Other names: c.2975T>G, p.Ile992Ser (NM_001079812.3); c.3002T>G, p.Ile1001Ser (NM_001314007.2); short protein forms I1001S, I992S.
Identifiers: ClinVar variation 3760136 (VCV003760136.2).